The following is an entry in ClinVar:

NM_013275.6(ANKRD11):c.6284T>G (p.Leu2095Arg)

Gene: ANKRD11 (ankyrin repeat domain 11; minus strand). Cytogenetic location: 16q24.3.
Variant type: single nucleotide variant.
Coding change: c.6284T>G on transcript NM_013275.6 (MANE Select); coding-DNA position 6284, T replaced by G.
Protein change: p.Leu2095Arg; replaces leucine 2095 with arginine.
Molecular consequence: missense variant.
Genome position (GRCh38, 1-based): chr16:89,280,258, A>C on the plus strand (T>G on the coding strand, the complement: ANKRD11 is on the minus strand). VCF-style: chr16-89280258-A-C. GRCh37 (hg19) VCF-style: chr16-89346666-A-C.
Other names: c.6284T>G, p.Leu2095Arg (NM_001256182.2, NM_001256183.2); short protein forms L2095R.
Identifiers: ClinVar variation 3705733 (VCV003705733.2).

ClinVar aggregate classification (germline): Uncertain significance (1 of 4 stars; one submission).

Conditions:
KBG syndrome (KBGS). Also called: ANKRD11-Related KBG Syndrome. Identifiers: Orphanet 2332, MedGen C0220687, MONDO:0007846, OMIM 148050.

gnomAD v4.1: 15 of 1,608,836 alleles (0.00093%); highest among the groups gnomAD compares: Admixed American, 0.0017%; no homozygotes.

Submission:

Labcorp Genetics (formerly Invitae), Labcorp
Classification: Uncertain significance for KBG syndrome. Last evaluated: 2025-01-08. Review status: criteria provided, single submitter. Criteria: Invitae Variant Classification Sherloc (09022015). Collection method: clinical testing. Allele origin: germline.
Comment: This sequence change replaces leucine, which is neutral and non-polar, with arginine, which is basic and polar, at codon 2095 of the ANKRD11 protein (p.Leu2095Arg). This variant is present in population databases (no rsID available, gnomAD 0.008%). This variant has not been reported in the literature in individuals affected with ANKRD11-related conditions. Invitae Evidence Modeling of protein sequence and biophysical properties (such as structural, functional, and spatial information, amino acid conservation, physicochemical variation, residue mobility, and thermodynamic stability) indicates that this missense variant is not expected to disrupt ANKRD11 protein function with a negative predictive value of 95%. In summary, the available evidence is currently insufficient to determine the role of this variant in disease. Therefore, it has been classified as a Variant of Uncertain Significance.